The following continues an entry in ClinVar:

NM_198578.4(LRRK2):c.6055G>A (p.Gly2019Ser)

Gene: LRRK2. ClinVar aggregate classification (germline): Pathogenic/Likely pathogenic; risk factor. Pathogenic (24); Likely pathogenic (2).

Submissions 11 to 19 of 31:

Clinical Genomics Laboratory, Washington University in St. Louis
Classification: Pathogenic for Autosomal dominant Parkinson disease 8. Last evaluated: 2023-11-08. Review status: criteria provided, single submitter. Criteria: ACMG Guidelines, 2015. Collection method: clinical testing. Allele origin: germline. Affected: yes.
Comment: The LRRK2 c.6055G>A (p.Gly2019Ser) variant is reported as one of the most common alleles in individuals affected with Parkinson‚Äôs disease and segregates with disease in families (Saunders-Pullman R et al., PMID: 20301387). The highest population minor allele frequency in the population database genome aggregation database (v.2.1.1) is 0.84% in Ashkenazi Jewish population. Functional studies show increased mitochondrial DNA damage, increased phosphorylation of alpha synuclein, dysregulation of lysosomal function, and kinase-dependent neurodegeneration (Henry G et al., PMID: 26251043; Qing H et al., PMID: 19576176; Sanders LH et al., PMID: 24148854; Vermilyea SC et al., PMID: 29402177), indicating that this variant impacts protein function. This variant resides within a region, amino acids 1879-2138, of LRRK2 that is defined as a critical functional domain (Vermilyea SC et al., PMID: 29402177). Computational predictors indicate that the variant is damaging, evidence that correlates with impact to LRRK2 function. This variant has been reported in the ClinVar database as a pathogenic variant in Parkinson‚Äôs disease by 18 submitters, likely pathogenic by one submitter and a risk factor by one submitter. Based on available information and the ACMG/AMP guidelines for variant interpretation (Richards S et al., PMID: 25741868), this variant is classified as pathogenic.

Department of Pathology and Laboratory Medicine, Sinai Health System
Classification: Pathogenic for Autosomal dominant Parkinson disease 8. Last evaluated: 2023-05-10. Review status: criteria provided, single submitter. Criteria: ACMG Guidelines, 2015. Collection method: research. Allele origin: germline.

Molecular Genetics, Royal Melbourne Hospital
Classification: Pathogenic for Parkinson disease. Last evaluated: 2023-03-30. Review status: criteria provided, single submitter. Criteria: ACMG Guidelines, 2015. Collection method: clinical testing. Allele origin: germline. Affected: yes.
Comment: This sequence change in LRRK2 is predicted to replace glycine with serine at codon 2019, p.(Gly2019Ser). The glycine residue is highly conserved (100 vertebrates, UCSC), and is located in the protein kinase domain There is a small physicochemical difference between glycine and serine. The highest population minor allele frequency in gnomAD v2.1 is 0.8% (87/10,362 alleles, 1 homozygote) in the Ashkenazi Jewish population, while the highest continental population minor allele frequency is 0.03% (33/128,908 alleles) in the European (non-Finnish) population. This is the most commonly reported pathogenic variant in LRRK2 and is associated with a risk of Parkinson disease (PD) at an estimated age-related penetrance of between 25-42.5% (PMID: 20301387, 28639421). The prevalence of the variant in affected individuals is significantly increased compared with the prevalence in controls (odds ratio 14.98, 95% CI:10.68-21.02) (PMID: 22575234). The variant has been reported to segregate with PD in multiple families (PMID: 15726496 ). A transgenic mouse model for the variant recapitulates the human PD phenotype and brain histopathology (PMID: 22539006). Multiple lines of computational evidence predict a deleterious effect for the missense substitution (6/6 algorithms). Based on the classification scheme RMH Modified ACMG Guidelines v1.5.1, this variant is classified as PATHOGENIC. Following criteria are met: PS3, PP1_Strong, PS4_Moderate, PP3.

Ambry Genetics
Classification: Pathogenic for Inborn genetic diseases. Last evaluated: 2022-07-19. Review status: criteria provided, single submitter. Criteria: Ambry Variant Classification Scheme 2023. Collection method: clinical testing. Allele origin: germline.
Comment: The c.6055G>A (p.G2019S) alteration is located in exon 41 (coding exon 41) of the LRRK2 gene. This alteration results from a G to A substitution at nucleotide position 6055, causing the glycine (G) at amino acid position 2019 to be replaced by a serine (S). Based on data from gnomAD, the A allele has an overall frequency of 0.05% (138/282542) total alleles studied. The highest observed frequency was 0.84% (87/10362) of Ashkenazi Jewish alleles. The p.G2019S alteration is the most common disease-causing LRRK2 alteration (Saunders-Pullman, 2019). This amino acid position is highly conserved in available vertebrate species. Functional analysis demonstrated that compared to the wild-type, the p.G2019S alteration significantly increased the phosphorylation of peroxiredoxin 3 (PRDX3), a mitochondrial member of the antioxidant family of thioredoxin peroxidases. Increased PRDX3 phosphorylation was associated with inhibited PRDX3 peroxidase activity and increased death in LRRK2-expressing but not in LRRK2-depleted or vector-transfected neuronal cells (Angeles, 2011). This alteration is predicted to be deleterious by in silico analysis. Based on the available evidence, this alteration is classified as pathogenic.

Genetics and Molecular Pathology, SA Pathology
Classification: Pathogenic for Autosomal dominant Parkinson disease 8. Last evaluated: 2022-04-28. Review status: criteria provided, single submitter. Criteria: ACMG Guidelines, 2015. Collection method: clinical testing. Allele origin: germline. Affected: yes.

Women's Health and Genetics/Laboratory Corporation of America, LabCorp
Classification: Pathogenic for Autosomal dominant Parkinson disease 8. Last evaluated: 2021-12-03. Review status: criteria provided, single submitter. Criteria: LabCorp Variant Classification Summary - May 2015. Collection method: clinical testing. Allele origin: germline.
Comment: Variant summary: LRRK2 c.6055G>A (p.Gly2019Ser) results in a non-conservative amino acid change located in the Protein kinase domain (IPR000719) of the encoded protein sequence. Five of five in-silico tools predict a damaging effect of the variant on protein function. The variant allele was found at a frequency of 0.00053 in 251154 control chromosomes in the gnomAD database, including 1 homozygote. This frequency is not significantly higher than expected for a pathogenic variant in LRRK2 causing Parkinson Disease 8, Autosomal Dominant, allowing no conclusion about variant significance. c.6055G>A has been widely reported in the literature in multiple individuals affected with Parkinson Disease 8, Autosomal Dominant as a common founder mutation associated with age dependent penetrance among European populations (example, Kachergus_2005) and this association continues to be subsequently acknowledged and cited by others. These data indicate that the variant is very likely to be associated with disease. At least one publication reports experimental evidence evaluating an impact on protein function (example, Greggio_2006). The most pronounced variant effect results in increased tendency to form inclusion bodies. Secondly, neurons and neuronal cell lines undergo cell death after expression of mutant protein. Multiple clinical diagnostic laboratories have submitted clinical-significance assessments for this variant to ClinVar after 2014 without evidence for independent evaluation. All submitters classified the variant as pathogenic. Based on the evidence outlined above, the variant was classified as pathogenic.

Illumina Laboratory Services, Illumina
Classification: Pathogenic for Autosomal dominant Parkinson disease 8. Last evaluated: 2021-08-02. Review status: criteria provided, single submitter. Criteria: ICSLVariantClassificationCriteria RUGD 01 April 2020. Collection method: clinical testing. Allele origin: unknown.
Comment: The LRRK2 c.6055G>A (p.Gly2019Ser) missense variant is the most common variant reported in individuals with LRRK2-related Parkinson disease (PD) (Saunders-Pullman et al. 2006). Across a selection of available literature, the p.Gly2019Ser variant has been identified in a heterozygous state in 131 individuals and in a homozygous state in two individuals with Parkinson disease (Kachergus et al. 2005; Nichols et al. 2005; Bar-Shira et al. 2009). The p.Gly2019Ser variant was absent from 3487 healthy matched controls in these studies and is reported at a frequency of 0.008396 in the Ashkenazi Jewish population of the Genome Aggregation Database (version 2.1.1). Analysis showed that carriers of the p.Gly2019Ser variant, who were of Ashkenazi Jewish descent, shared a 243 kb haplotype, suggesting a common founder in this population (Bar-Shira et al. 2009). The variant is also noted to exist as a founder variant in North African Berbers (Saunders-Pullman et al. 2006). The p.Gly2019Ser variant is associated with reduced penetrance; penetrance for heterozygotes is age dependent, and varies in different populations ranging from 25% - 42% up to age 80 (Saunders-Pullman et al. 2006). Generally clinical features are indistinguishable between individuals with LRRK2-related PD compared to idiopathic PD. However, studies have shown the p.Gly2019Ser variant results in a slightly milder clinical course than seen in individuals with Parkinson disease (Saunders-Pullman et al. 2006). Mitochondrial dysfunction and lysosomal dysfunction play central roles in PD pathophysiology. Functional studies showed increased mitochondrial DNA damage in iPSC-derived neural cells from patients carrying the p.Gly2019Ser variant than in cells from healthy controls. In patient cells in which the p.Gly2019Ser variant was repaired with zinc finger nuclease, reduced mitochondrial DNA damage was observed at levels seen in healthy control cells (Sanders et al. 2014). The p.Gly2019Ser variant has also been demonstrated to result in enlarged lysosomes, impaired lysosomal function, and increased kinase activity (Henry et al. 2015). Based on the collective evidence, the p.Gly2019Ser variant is classified as pathogenic for LRRK2-related Parkinson disease.

Fulgent Genetics
Classification: Pathogenic for Parkinson disease, late-onset. Last evaluated: 2021-05-03. Review status: criteria provided, single submitter. Criteria: ACMG Guidelines, 2015. Collection method: clinical testing. Allele origin: germline. Affected: yes.

Institute of Medical Genetics and Applied Genomics, University Hospital Tübingen
Classification: Pathogenic. Last evaluated: 2020-10-23. Review status: criteria provided, single submitter. Criteria: ACMG Guidelines, 2015. Collection method: clinical testing. Allele origin: germline. Inheritance: Unknown mechanism. Affected: yes.